The following is an entry in ClinVar:

ClinVar aggregate classification (germline): Uncertain significance. Review status: criteria provided, multiple submitters, no conflicts (2 of 4 stars). 4 submissions from 4 submitters: Uncertain significance (3). 1 of the submissions does not count toward it. Last evaluated 2025-04-23.

Conditions:
Episodic pain syndrome, familial, 2 (FEPS2). Identifiers: Orphanet 306577, MedGen C3809893, MONDO:0014246, OMIM 615551.
Cardiovascular phenotype. Identifiers: MedGen CN230736.
Brugada syndrome. Also called: Sudden unexpected nocturnal death syndrome; Sudden unexplained nocturnal death syndrome; Sudden Unexplained Death Syndrome; Sudden Unexplained Nocturnal Death Syndrome (SUNDS). Identifiers: Orphanet 130, MedGen C1142166, MONDO:0015263.

Submissions (4):

Labcorp Genetics (formerly Invitae), Labcorp
Classification: Uncertain significance for Brugada syndrome. Last evaluated: 2025-04-23. Review status: criteria provided, single submitter. Criteria: Invitae Variant Classification Sherloc (09022015). Collection method: clinical testing. Allele origin: germline.
Comment: This sequence change replaces aspartic acid, which is acidic and polar, with asparagine, which is neutral and polar, at codon 1752 of the SCN10A protein (p.Asp1752Asn). This variant is not present in population databases (gnomAD no frequency). This variant has not been reported in the literature in individuals affected with SCN10A-related conditions. ClinVar contains an entry for this variant (Variation ID: 2563710). Invitae Evidence Modeling of protein sequence and biophysical properties (such as structural, functional, and spatial information, amino acid conservation, physicochemical variation, residue mobility, and thermodynamic stability) indicates that this missense variant is expected to disrupt SCN10A protein function with a positive predictive value of 80%. In summary, the available evidence is currently insufficient to determine the role of this variant in disease. Therefore, it has been classified as a Variant of Uncertain Significance.

Institute of Human Genetics, University of Leipzig Medical Center
Classification: Uncertain significance for Episodic pain syndrome, familial, 2. Last evaluated: 2024-01-08. Review status: criteria provided, single submitter. Criteria: ACMG Guidelines, 2015. Collection method: clinical testing. Allele origin: unknown. Inheritance: Autosomal dominant inheritance. Affected: yes.
Comment: Criteria applied: PM2_SUP,PP3,PP4

Ambry Genetics
Classification: Uncertain significance for Cardiovascular phenotype. Last evaluated: 2023-04-22. Review status: criteria provided, single submitter. Criteria: Ambry Variant Classification Scheme 2023. Collection method: clinical testing. Allele origin: germline.
Comment: The p.D1752N variant (also known as c.5254G>A), located in coding exon 27 of the SCN10A gene, results from a G to A substitution at nucleotide position 5254. The aspartic acid at codon 1752 is replaced by asparagine, an amino acid with highly similar properties. This amino acid position is conserved. In addition, the in silico prediction for this alteration is inconclusive. Since supporting evidence is limited at this time, the clinical significance of this alteration remains unclear.

Clinical Genetics Laboratory, University Hospital Schleswig-Holstein
Classification: Uncertain significance for Episodic pain syndrome, familial, 2. Last evaluated: 2023-12-21. Review status: no assertion criteria provided. Collection method: clinical testing. Allele origin: germline. Affected: yes. Not counted in ClinVar's aggregate classification.

NM_006514.4(SCN10A):c.5254G>A (p.Asp1752Asn)

Gene: SCN10A (sodium voltage-gated channel alpha subunit 10; minus strand). Cytogenetic location: 3p22.2.
Variant type: single nucleotide variant.
Coding change: c.5254G>A on transcript NM_006514.4 (MANE Select); coding-DNA position 5254, G replaced by A.
Protein change: p.Asp1752Asn; replaces aspartic acid 1752 with asparagine.
Molecular consequence: missense variant.
Genome position (GRCh38, 1-based): chr3:38,697,966, C>T on the plus strand (G>A on the coding strand, the complement: SCN10A is on the minus strand). VCF-style: chr3-38697966-C-T. GRCh37 (hg19) VCF-style: chr3-38739457-C-T.
Other names: c.5251G>A, p.Asp1751Asn (NM_001293306.2); c.4960G>A, p.Asp1654Asn (NM_001293307.2); short protein forms D1752N, D1654N, D1751N.
Identifiers: ClinVar variation 2563710 (VCV002563710.5), dbSNP rs2470552067, ClinGen allele CA352154161.